The following is an entry in ClinVar:

NM_177438.3(DICER1):c.707C>T (p.Thr236Ile)

Gene: DICER1 (dicer 1, ribonuclease III; minus strand). Cytogenetic location: 14q32.13.
Variant type: single nucleotide variant.
Coding change: c.707C>T on transcript NM_177438.3 (MANE Select); coding-DNA position 707, C replaced by T.
Protein change: p.Thr236Ile; replaces threonine 236 with isoleucine.
Molecular consequence: missense variant.
Genome position (GRCh38, 1-based): chr14:95,129,499, G>A on the plus strand (C>T on the coding strand, the complement: DICER1 is on the minus strand). VCF-style: chr14-95129499-G-A. GRCh37 (hg19) VCF-style: chr14-95595836-G-A.
Other names: c.707C>T (NM_177438.2); c.707C>T, p.Thr236Ile (NM_001195573.1, NM_001271282.3, NM_001291628.2 and 1 more transcripts); short protein forms T236I.
Identifiers: ClinVar variation 1055212 (VCV001055212.11), dbSNP rs2140260052, ClinGen allele CA390888010.
Genomic context (GRCh38, chr14:95,129,499, plus strand): 5'-CTCATTAAAGCTGAGTCAATCAGAAGTGCATACCTGTCTAAGACCACCAGGTCAGTTGCA[G>A]TTTCAGCATTACTCTTAAGAATTTTCTCTAGTTTCTGAATCTTTTCTTCCAATTCCTCTG-3'
Protein context (NP_803187.1, residues 226-246): LEKILKSNAE[Thr236Ile]ATDLVVLDRY

ClinVar aggregate classification (germline): Uncertain significance. Review status: criteria provided, multiple submitters, no conflicts (2 of 4 stars). 2 submissions from 2 submitters: Uncertain significance (2). Last evaluated 2025-01-27.

Conditions:
Hereditary cancer-predisposing syndrome. Also called: Hereditary Cancer Syndrome; Tumor predisposition; Hereditary neoplastic syndrome; Neoplastic Syndromes, Hereditary. Identifiers: Orphanet 140162, MedGen C0027672, MeSH D009386, MONDO:0015356.
DICER1-related tumor predisposition. Also called: DICER1-related pleuropulmonary blastoma cancer predisposition syndrome; DICER1 syndrome. Identifiers: Orphanet 284343, MedGen C3839822, MONDO:0100216.

Submissions (2):

Labcorp Genetics (formerly Invitae), Labcorp
Classification: Uncertain significance for DICER1-related tumor predisposition. Last evaluated: 2025-01-27. Review status: criteria provided, single submitter. Criteria: Invitae Variant Classification Sherloc (09022015). Collection method: clinical testing. Allele origin: germline.
Comment: This sequence change replaces threonine, which is neutral and polar, with isoleucine, which is neutral and non-polar, at codon 236 of the DICER1 protein (p.Thr236Ile). This variant is not present in population databases (gnomAD no frequency). This variant has not been reported in the literature in individuals affected with DICER1-related conditions. ClinVar contains an entry for this variant (Variation ID: 1055212). Invitae Evidence Modeling of protein sequence and biophysical properties (such as structural, functional, and spatial information, amino acid conservation, physicochemical variation, residue mobility, and thermodynamic stability) indicates that this missense variant is not expected to disrupt DICER1 protein function with a negative predictive value of 95%. In summary, the available evidence is currently insufficient to determine the role of this variant in disease. Therefore, it has been classified as a Variant of Uncertain Significance.

Ambry Genetics
Classification: Uncertain significance for Hereditary cancer-predisposing syndrome. Last evaluated: 2023-04-01. Review status: criteria provided, single submitter. Criteria: Ambry Variant Classification Scheme 2023. Collection method: clinical testing. Allele origin: germline.
Comment: The p.T236I variant (also known as c.707C>T), located in coding exon 5 of the DICER1 gene, results from a C to T substitution at nucleotide position 707. The threonine at codon 236 is replaced by isoleucine, an amino acid with similar properties. This amino acid position is conserved. In addition, this alteration is predicted to be deleterious by in silico analysis. Since supporting evidence is limited at this time, the clinical significance of this alteration remains unclear.